The following is an entry in ClinVar:

ClinVar aggregate classification (germline): Uncertain significance (1 of 4 stars; one submission).

Conditions:
Cardiovascular phenotype. Identifiers: MedGen CN230736.

Submission:

Ambry Genetics
Classification: Uncertain significance for Cardiovascular phenotype. Last evaluated: 2025-02-23. Review status: criteria provided, single submitter. Criteria: Ambry Variant Classification Scheme 2023. Collection method: clinical testing. Allele origin: germline.
Comment: The p.A3551G variant (also known as c.10652C>G), located in coding exon 26 of the APOB gene, results from a C to G substitution at nucleotide position 10652. The alanine at codon 3551 is replaced by glycine, an amino acid with similar properties. This amino acid position is conserved. In addition, this alteration is predicted to be tolerated by in silico analysis. Based on the available evidence, the clinical significance of this variant remains unclear.

NM_000384.3(APOB):c.10652C>G (p.Ala3551Gly)

Gene: APOB (apolipoprotein B; minus strand). Cytogenetic location: 2p24.1.
Variant type: single nucleotide variant.
Coding change: c.10652C>G on transcript NM_000384.3 (MANE Select); coding-DNA position 10652, C replaced by G.
Protein change: p.Ala3551Gly; replaces alanine 3551 with glycine.
Molecular consequence: missense variant.
Genome position (GRCh38, 1-based): chr2:21,006,216, G>C on the plus strand (C>G on the coding strand, the complement: APOB is on the minus strand). VCF-style: chr2-21006216-G-C. GRCh37 (hg19) VCF-style: chr2-21229088-G-C.
Other names: short protein forms A3551G.
Identifiers: ClinVar variation 3885311 (VCV003885311.1).
Genomic context (GRCh38, chr2:21,006,216, plus strand): 5'-AAGTGGTTTTTCGTACTGTGCTCCCAGAGGGAATATATGCGTTGGAGTGTGGCTTCTCCA[G>C]CAAAATTTTCTTTTACTTCAAGGTTCCAGATATCATCAATTTTGGAAGTGCCCTGCAGCT-3'
Protein context (NP_000375.3, residues 3541-3561): IWNLEVKENF[Ala3551Gly]GEATLQRIYS